The following is an entry in ClinVar:

ClinVar aggregate classification (germline): Uncertain significance (1 of 4 stars; one submission).

Conditions:
Autosomal recessive limb-girdle muscular dystrophy type 2J (LGMDR10). Also called: Limb-girdle muscular dystrophy, type 2J; MUSCULAR DYSTROPHY, LIMB-GIRDLE, AUTOSOMAL RECESSIVE 10. Identifiers: Orphanet 140922, MedGen C1837342, MONDO:0012127, OMIM 608807.

Allele frequency attached by ClinVar (database versions not stated): ExAC 0.00001; gnomAD exomes 0.00001; TOPMed 0.00001.
gnomAD v4.1: 4 of 1,612,768 alleles (0.00025%); highest among the groups gnomAD compares: Admixed American, 0.005%; no homozygotes.

Submission:

Laboratorio de Genetica e Diagnostico Molecular, Hospital Israelita Albert Einstein
Classification: Uncertain significance for Autosomal recessive limb-girdle muscular dystrophy type 2J. Last evaluated: 2022-04-01. Review status: criteria provided, single submitter. Criteria: ACMG Guidelines, 2015. Collection method: clinical testing. Allele origin: germline. Affected: yes. Observed: 1 variant allele.
Comment: ACMG classification criteria: PM2 moderated, BP4 supporting

NM_001267550.2(TTN):c.33694A>G (p.Lys11232Glu)

Gene: TTN (titin; minus strand). Cytogenetic location: 2q31.2.
Variant type: single nucleotide variant.
Coding change: c.33694A>G on transcript NM_001267550.2 (MANE Select); coding-DNA position 33694, A replaced by G.
Protein change: p.Lys11232Glu; replaces lysine 11232 with glutamic acid.
Molecular consequence: missense variant. On other transcripts: intron variant (3).
Genome position (GRCh38, 1-based): chr2:178,679,387, T>C on the plus strand (A>G on the coding strand, the complement: TTN is on the minus strand). VCF-style: chr2-178679387-T-C. GRCh37 (hg19) VCF-style: chr2-179544114-T-C.
Other names: c.32743A>G, p.Lys10915Glu (NM_001256850.1); c.29962A>G, p.Lys9988Glu (NM_133378.4); c.13283-37070A>G (NM_003319.4); c.13859-37070A>G (NM_133437.4); c.13658-37070A>G (NM_133432.3); short protein forms K10915E, K11232E, K9988E.
Identifiers: ClinVar variation 2431454 (VCV002431454.1), dbSNP rs764769901, ClinGen allele CA1998261.